The following is an entry in ClinVar:

NM_000051.4(ATM):c.736A>T (p.Asn246Tyr)

Gene: ATM (ATM serine/threonine kinase; plus strand). Cytogenetic location: 11q22.3.
Variant type: single nucleotide variant.
Coding change: c.736A>T on transcript NM_000051.4 (MANE Select); coding-DNA position 736, A replaced by T.
Protein change: p.Asn246Tyr; replaces asparagine 246 with tyrosine.
Molecular consequence: missense variant.
Genome position (GRCh38, 1-based): chr11:108,244,861, A>T. VCF-style: chr11-108244861-A-T. GRCh37 (hg19) VCF-style: chr11-108115588-A-T.
Other names: c.736A>T, p.Asn246Tyr (NM_001351834.2); short protein forms N246Y.
Identifiers: ClinVar variation 2691464 (VCV002691464.1), dbSNP rs2135239238, ClinGen allele CA382529245.

ClinVar aggregate classification (germline): Uncertain significance (1 of 4 stars; one submission).

Submission:

Women's Health and Genetics/Laboratory Corporation of America, LabCorp
Classification: Uncertain significance. Last evaluated: 2023-12-01. Review status: criteria provided, single submitter. Criteria: LabCorp Variant Classification Summary - May 2015. Collection method: clinical testing. Allele origin: germline.
Comment: Variant summary: ATM c.736A>T (p.Asn246Tyr) results in a non-conservative amino acid change in the encoded protein sequence. Four of five in-silico tools predict a damaging effect of the variant on protein function. The variant was absent in 251014 control chromosomes (gnomAD). The available data on variant occurrences in the general population are insufficient to allow any conclusion about variant significance. To our knowledge, no occurrence of c.736A>T in individuals affected with Ataxia-Telangiectasia or ATM-related cancer and no experimental evidence demonstrating its impact on protein function have been reported. No submitters have cited clinical-significance assessments for this variant to ClinVar after 2014. Based on the evidence outlined above, the variant was classified as uncertain significance.